The following is an entry in ClinVar:

ClinVar aggregate classification (germline): Uncertain significance (0 of 4 stars; one submission).

Conditions:
ALMS1-related disorder. Also called: ALMS1-related condition.

Submission:

PreventionGenetics, part of Exact Sciences
Classification: Uncertain significance for ALMS1-related condition. Last evaluated: 2024-03-27. Review status: no assertion criteria provided. Collection method: clinical testing. Allele origin: germline.
Comment: The ALMS1 c.1856C>A variant is predicted to result in the amino acid substitution p.Thr619Asn. To our knowledge, this variant has not been reported in the literature. This variant is reported in 0.0058% of alleles in individuals of Latino descent in gnomAD. At this time, the clinical significance of this variant is uncertain due to the absence of conclusive functional and genetic evidence.

NM_001378454.1(ALMS1):c.1853C>A (p.Thr618Asn)

Gene: ALMS1 (ALMS1 centrosome and basal body associated protein; plus strand). Cytogenetic location: 2p13.1.
Variant type: single nucleotide variant.
Coding change: c.1853C>A on transcript NM_001378454.1 (MANE Select); coding-DNA position 1853, C replaced by A.
Protein change: p.Thr618Asn; replaces threonine 618 with asparagine.
Molecular consequence: missense variant.
Genome position (GRCh38, 1-based): chr2:73,448,380, C>A. VCF-style: chr2-73448380-C-A. GRCh37 (hg19) VCF-style: chr2-73675507-C-A.
Other names: c.1856C>A, p.Thr619Asn (NM_015120.4); short protein forms T618N, T619N.
Identifiers: ClinVar variation 3349066 (VCV003349066.1).